The following is an entry in ClinVar:

ClinVar aggregate classification (germline): Likely benign. Review status: criteria provided, multiple submitters, no conflicts (2 of 4 stars). 3 submissions from 3 submitters: Likely benign (3). Last evaluated 2025-08-18.

Conditions:
Cardiovascular phenotype. Identifiers: MedGen CN230736.
Andersen Tawil syndrome (LQT7). Also called: ANDERSEN CARDIODYSRHYTHMIC PERIODIC PARALYSIS; LONG QT SYNDROME 7; PERIODIC PARALYSIS, POTASSIUM-SENSITIVE CARDIODYSRHYTHMIC TYPE; Andersen Syndrome; Potassium-sensitive periodic paralysis, ventricular ectopy, and dysmorphic features. Identifiers: Orphanet 37553, MedGen C1563715, MONDO:0008222, OMIM 170390.
Short QT syndrome type 3. Identifiers: Orphanet 51083, MedGen C1865018, MONDO:0012314, OMIM 609622.

Allele frequency attached by ClinVar (database versions not stated): gnomAD 0.00001 and 0.00002; gnomAD exomes 0.00001 and 0.00003; TOPMed 0.00001; ExAC 0.00002; 1000 Genomes Project 30x 0.00016; 1000 Genomes Project 0.00020.
gnomAD v4.1: 12 of 1,614,208 alleles (0.00074%); highest among the groups gnomAD compares: East Asian, 0.0067%; no homozygotes.

Submissions (3):

Labcorp Genetics (formerly Invitae), Labcorp
Classification: Likely benign for Short QT syndrome type 3; Andersen Tawil syndrome. Last evaluated: 2025-08-18. Review status: criteria provided, single submitter. Criteria: Invitae Variant Classification Sherloc (09022015). Collection method: clinical testing. Allele origin: germline.

Ambry Genetics
Classification: Likely benign for Cardiovascular phenotype. Last evaluated: 2020-10-20. Review status: criteria provided, single submitter. Criteria: Ambry Variant Classification Scheme 2023. Collection method: clinical testing. Allele origin: germline.

GeneDx
Classification: Likely benign. Last evaluated: 2017-05-09. Review status: criteria provided, single submitter. Criteria: GeneDx Variant Classification (06012015). Collection method: clinical testing. Allele origin: germline. Affected: yes.
Comment: This variant is considered likely benign or benign based on one or more of the following criteria: it is a conservative change, it occurs at a poorly conserved position in the protein, it is predicted to be benign by multiple in silico algorithms, and/or has population frequency not consistent with disease.

NM_000891.3(KCNJ2):c.276C>T (p.Phe92=)

Gene: KCNJ2 (potassium inwardly rectifying channel subfamily J member 2; plus strand). Cytogenetic location: 17q24.3.
Variant type: single nucleotide variant.
Coding change: c.276C>T on transcript NM_000891.3 (MANE Select); coding-DNA position 276, C replaced by T.
Protein change: p.Phe92=; no amino-acid change (phenylalanine 92 retained).
Molecular consequence: synonymous variant.
Genome position (GRCh38, 1-based): chr17:70,175,315, C>T. VCF-style: chr17-70175315-C-T. GRCh37 (hg19) VCF-style: chr17-68171456-C-T.
Identifiers: ClinVar variation 412686 (VCV000412686.13), dbSNP rs556248547, ClinGen allele CA8738707.